The following is an entry in ClinVar:

ClinVar aggregate classification (germline): Uncertain significance (1 of 4 stars; one submission).

Submission:

Labcorp Genetics (formerly Invitae), Labcorp
Classification: Uncertain significance. Last evaluated: 2023-11-18. Review status: criteria provided, single submitter. Criteria: Invitae Variant Classification Sherloc (09022015). Collection method: clinical testing. Allele origin: germline.
Comment: This sequence change replaces proline, which is neutral and non-polar, with threonine, which is neutral and polar, at codon 2063 of the FLNB protein (p.Pro2063Thr). This variant is not present in population databases (gnomAD no frequency). This variant has not been reported in the literature in individuals affected with FLNB-related conditions. Advanced modeling of protein sequence and biophysical properties (such as structural, functional, and spatial information, amino acid conservation, physicochemical variation, residue mobility, and thermodynamic stability) performed at Invitae indicates that this missense variant is not expected to disrupt FLNB protein function with a negative predictive value of 95%. In summary, the available evidence is currently insufficient to determine the role of this variant in disease. Therefore, it has been classified as a Variant of Uncertain Significance.

NM_001457.4(FLNB):c.6187C>A (p.Pro2063Thr)

Gene: FLNB (filamin B; plus strand). Cytogenetic location: 3p14.3.
Variant type: single nucleotide variant.
Coding change: c.6187C>A on transcript NM_001457.4 (MANE Select); coding-DNA position 6187, C replaced by A.
Protein change: p.Pro2063Thr; replaces proline 2063 with threonine.
Molecular consequence: missense variant.
Genome position (GRCh38, 1-based): chr3:58,149,945, C>A. VCF-style: chr3-58149945-C-A. GRCh37 (hg19) VCF-style: chr3-58135672-C-A.
Other names: c.6280C>A, p.Pro2094Thr (NM_001164317.2); c.6154C>A, p.Pro2052Thr (NM_001164318.2); c.6115C>A, p.Pro2039Thr (NM_001164319.2); short protein forms P2094T, P2052T, P2063T, P2039T.
Identifiers: ClinVar variation 2697191 (VCV002697191.3), dbSNP rs1376630172, ClinGen allele CA353357317.